The following is an entry in ClinVar:

NM_021076.4(NEFH):c.734T>G (p.Ile245Ser)

Gene: NEFH (neurofilament heavy chain; plus strand). Cytogenetic location: 22q12.2.
Variant type: single nucleotide variant.
Coding change: c.734T>G on transcript NM_021076.4 (MANE Select); coding-DNA position 734, T replaced by G.
Protein change: p.Ile245Ser; replaces isoleucine 245 with serine.
Molecular consequence: missense variant.
Genome position (GRCh38, 1-based): chr22:29,480,996, T>G. VCF-style: chr22-29480996-T-G. GRCh37 (hg19) VCF-style: chr22-29876985-T-G.
Other names: short protein forms I245S.
Identifiers: ClinVar variation 2308699 (VCV002308699.6), dbSNP rs1417117086, ClinGen allele CA411123856.
Genomic context (GRCh38, chr22:29,480,996, plus strand): 5'-AGGAGTGCGGCTACCTGCGGCGCCACCACCAGGAAGAGGTGGGCGAGCTGCTCGGCCAGA[T>G]CCAGGGCTCCGGCGCCGCGCAGGCGCAGATGCAGGCCGAGACGCGCGACGCCCTGAAGTG-3'
Protein context (NP_066554.2, residues 235-255): QEEVGELLGQ[Ile245Ser]QGSGAAQAQM

ClinVar aggregate classification (germline): Uncertain significance. Review status: criteria provided, multiple submitters, no conflicts (2 of 4 stars). 3 submissions from 3 submitters: Uncertain significance (3). Last evaluated 2026-01-07.

Conditions:
Inborn genetic diseases. Identifiers: MedGen C0950123, MeSH D030342.
NEFH-related disorder. Also called: NEFH-related condition.

Allele frequency attached by ClinVar (database versions not stated): gnomAD 0.00003; TOPMed 0.00003.
gnomAD v4.1: 7 of 1,531,790 alleles (0.00046%); highest among the groups gnomAD compares: African/African-American, 0.0069%; no homozygotes.

Submissions (3):

PreventionGenetics, part of Exact Sciences
Classification: Uncertain significance for NEFH-related condition. Last evaluated: 2026-01-07. Review status: criteria provided, single submitter. Criteria: ACMG Guidelines, 2015. Collection method: clinical testing. Allele origin: germline.
Comment: The NEFH c.734T>G variant is predicted to result in the amino acid substitution p.Ile245Ser. To our knowledge, this variant has not been reported in the literature. This variant is reported in 0.023% of alleles in individuals of African descent in gnomAD. At this time, the clinical significance of this variant is uncertain due to the absence of conclusive functional and genetic evidence.

Labcorp Genetics (formerly Invitae), Labcorp
Classification: Uncertain significance. Last evaluated: 2024-01-21. Review status: criteria provided, single submitter. Criteria: Invitae Variant Classification Sherloc (09022015). Collection method: clinical testing. Allele origin: germline.
Comment: This sequence change replaces isoleucine, which is neutral and non-polar, with serine, which is neutral and polar, at codon 245 of the NEFH protein (p.Ile245Ser). This variant is present in population databases (no rsID available, gnomAD 0.02%). This variant has not been reported in the literature in individuals affected with NEFH-related conditions. ClinVar contains an entry for this variant (Variation ID: 2308699). Advanced modeling of protein sequence and biophysical properties (such as structural, functional, and spatial information, amino acid conservation, physicochemical variation, residue mobility, and thermodynamic stability) performed at Invitae indicates that this missense variant is not expected to disrupt NEFH protein function with a negative predictive value of 95%. In summary, the available evidence is currently insufficient to determine the role of this variant in disease. Therefore, it has been classified as a Variant of Uncertain Significance.

Ambry Genetics
Classification: Uncertain significance for Inborn genetic diseases. Last evaluated: 2022-08-17. Review status: criteria provided, single submitter. Criteria: Ambry Variant Classification Scheme 2023. Collection method: clinical testing. Allele origin: germline.